The following is an entry in ClinVar:

NM_001142800.2(EYS):c.-447C>T

Gene: EYS (EGF-like photoreceptor maintenance factor; minus strand). Cytogenetic location: 6q12.
Variant type: single nucleotide variant.
Coding change: c.-447C>T on transcript NM_001142800.2 (MANE Select); 447 bases upstream of the start codon, C replaced by T.
Molecular consequence: 5 prime UTR variant.
Genome position (GRCh38, 1-based): chr6:65,639,892, G>A on the plus strand (C>T on the coding strand, the complement: EYS is on the minus strand). VCF-style: chr6-65639892-G-A. GRCh37 (hg19) VCF-style: chr6-66349785-G-A.
Other names: c.-447C>T (NM_001142801.2, NM_001292009.2).
Identifiers: ClinVar variation 1913740 (VCV001913740.5), dbSNP rs2533385986, ClinGen allele CA2580075683.

ClinVar aggregate classification (germline): Uncertain significance (1 of 4 stars; one submission).

Submission:

Labcorp Genetics (formerly Invitae), Labcorp
Classification: Uncertain significance. Last evaluated: 2022-08-01. Review status: criteria provided, single submitter. Criteria: Invitae Variant Classification Sherloc (09022015). Collection method: clinical testing. Allele origin: germline.
Comment: In summary, the available evidence is currently insufficient to determine the role of this variant in disease. Therefore, it has been classified as a Variant of Uncertain Significance. This variant has not been reported in the literature in individuals affected with EYS-related conditions. This variant is not present in population databases (gnomAD no frequency). This variant occurs in a non-coding region of the EYS gene. It does not change the encoded amino acid sequence of the EYS protein.